The following is an entry in ClinVar:

ClinVar aggregate classification (germline): Likely pathogenic (1 of 4 stars; one submission).

Conditions:
Congenital myopathy 2c, severe infantile, autosomal dominant (CMYO2C). Identifiers: MedGen C5830333, MONDO:0859523, OMIM 620278.

Submission:

UAEU Genomics Laboratory, United Arab Emirates University
Classification: Likely pathogenic for Congenital myopathy 2c, severe infantile, autosomal dominant. Last evaluated: 2024-01-24. Review status: criteria provided, single submitter. Criteria: ACMG Guidelines, 2015. Collection method: research. Allele origin: germline. Affected: yes. Observed: 1 variant allele.
Comment: PM2, PM1, PP2, PM5

NM_001100.4(ACTA1):c.227G>T (p.Gly76Val)

Gene: ACTA1 (actin alpha 1, skeletal muscle; minus strand). Cytogenetic location: 1q42.13.
Variant type: single nucleotide variant.
Coding change: c.227G>T on transcript NM_001100.4 (MANE Select); coding-DNA position 227, G replaced by T.
Protein change: p.Gly76Val; replaces glycine 76 with valine.
Molecular consequence: missense variant.
Genome position (GRCh38, 1-based): chr1:229,432,783, C>A on the plus strand (G>T on the coding strand, the complement: ACTA1 is on the minus strand). VCF-style: chr1-229432783-C-A. GRCh37 (hg19) VCF-style: chr1-229568530-C-A.
Other names: short protein forms G76V.
Identifiers: ClinVar variation 5042561 (VCV005042561.1).